The following is an entry in ClinVar:

ClinVar aggregate classification (germline): Benign. Review status: criteria provided, single submitter (1 of 4 stars). 2 submissions from 2 submitters: Benign (1). 1 of the submissions does not count toward it. Last evaluated 2025-06-09.

Conditions:
TM4SF20-related disorder. Also called: TM4SF20-related condition.

Allele frequency attached by ClinVar (database versions not stated): TOPMed 0.00039; ESP Exome Variant Server 0.00046; gnomAD exomes 0.00181 and 0.00380; 1000 Genomes Project 30x 0.00187; 1000 Genomes Project 0.00240; gnomAD 0.00301 and 0.00308; ExAC 0.00334.
gnomAD v4.1: 3,069 of 1,614,082 alleles (0.19%); highest among the groups gnomAD compares: East Asian, 1.5%; 48 homozygotes.

Submissions (2):

Labcorp Genetics (formerly Invitae), Labcorp
Classification: Benign. Last evaluated: 2025-06-09. Review status: criteria provided, single submitter. Criteria: Invitae Variant Classification Sherloc (09022015). Collection method: clinical testing. Allele origin: germline.

PreventionGenetics, part of Exact Sciences
Classification: Benign for TM4SF20-related condition. Last evaluated: 2019-06-17. Review status: no assertion criteria provided. Collection method: clinical testing. Allele origin: germline. Not counted in ClinVar's aggregate classification.
Comment: This variant is classified as benign based on ACMG/AMP sequence variant interpretation guidelines (Richards et al. 2015 PMID: 25741868, with internal and published modifications).

NM_024795.4(TM4SF20):c.636C>T (p.Ile212=)

Gene: TM4SF20 (transmembrane 4 L six family member 20; minus strand). Cytogenetic location: 2q36.3.
Variant type: single nucleotide variant.
Coding change: c.636C>T on transcript NM_024795.4 (MANE Select); coding-DNA position 636, C replaced by T.
Protein change: p.Ile212=; no amino-acid change (isoleucine 212 retained).
Molecular consequence: synonymous variant.
Genome position (GRCh38, 1-based): chr2:227,363,778, G>A on the plus strand (C>T on the coding strand, the complement: TM4SF20 is on the minus strand). VCF-style: chr2-227363778-G-A. GRCh37 (hg19) VCF-style: chr2-228228494-G-A.
Identifiers: ClinVar variation 1600994 (VCV001600994.10), dbSNP rs151133854, ClinGen allele CA2148143.